The following is an entry in ClinVar:

NM_002582.4(PARN):c.1864+5G>T

Gene: PARN (poly(A)-specific ribonuclease; minus strand). Cytogenetic location: 16p13.12.
Variant type: single nucleotide variant.
Coding change: c.1864+5G>T on transcript NM_002582.4 (MANE Select); 5 bases into the intron after coding-DNA position 1864, G replaced by T.
Molecular consequence: intron variant.
Genome position (GRCh38, 1-based): chr16:14,446,883, C>A on the plus strand (G>T on the coding strand, the complement: PARN is on the minus strand). VCF-style: chr16-14446883-C-A. GRCh37 (hg19) VCF-style: chr16-14540740-C-A.
Other names: c.1681+5G>T (NM_001134477.3); c.1726+5G>T (NM_001242992.2).
Identifiers: ClinVar variation 2949379 (VCV002949379.3), dbSNP rs1371440341, ClinGen allele CA2631854118.

ClinVar aggregate classification (germline): Uncertain significance (1 of 4 stars; one submission).

Conditions:
Dyskeratosis congenita, autosomal recessive 6 (DKCB6). Identifiers: MedGen C4225356, MONDO:0014600, OMIM 616353.
Pulmonary fibrosis and/or bone marrow failure, Telomere-related, 4. Also called: PULMONARY FIBROSIS AND/OR BONE MARROW FAILURE SYNDROME, TELOMERE-RELATED, 4. Identifiers: Orphanet 2032, MedGen C4225347, MONDO:0014612, OMIM 616371.

Allele frequency attached by ClinVar (database versions not stated): gnomAD exomes below 0.00001.
gnomAD v4.1: 1 of 1,609,502 alleles (0.000062%); highest among the groups gnomAD compares: Non-Finnish European, 0.000085%; no homozygotes.

Submission:

Labcorp Genetics (formerly Invitae), Labcorp
Classification: Uncertain significance for Dyskeratosis congenita, autosomal recessive 6; Pulmonary fibrosis and/or bone marrow failure, Telomere-related, 4. Last evaluated: 2023-07-13. Review status: criteria provided, single submitter. Criteria: Invitae Variant Classification Sherloc (09022015). Collection method: clinical testing. Allele origin: germline.
Comment: This variant is not present in population databases (gnomAD no frequency). This sequence change falls in intron 23 of the PARN gene. It does not directly change the encoded amino acid sequence of the PARN protein. It affects a nucleotide within the consensus splice site. This variant has not been reported in the literature in individuals affected with PARN-related conditions. In summary, the available evidence is currently insufficient to determine the role of this variant in disease. Therefore, it has been classified as a Variant of Uncertain Significance. Variants that disrupt the consensus splice site are a relatively common cause of aberrant splicing (PMID: 17576681, 9536098). Algorithms developed to predict the effect of sequence changes on RNA splicing suggest that this variant may disrupt the consensus splice site.

Literature cited by the submitters: PubMed 17576681; PubMed 9536098.